The following is an entry in ClinVar:

NM_005188.4(CBL):c.2009C>T (p.Ala670Val)

Gene: CBL (Cbl proto-oncogene; plus strand). Cytogenetic location: 11q23.3.
Variant type: single nucleotide variant.
Coding change: c.2009C>T on transcript NM_005188.4 (MANE Select); coding-DNA position 2009, C replaced by T.
Protein change: p.Ala670Val; replaces alanine 670 with valine.
Molecular consequence: missense variant.
Genome position (GRCh38, 1-based): chr11:119,287,919, C>T. VCF-style: chr11-119287919-C-T. GRCh37 (hg19) VCF-style: chr11-119158629-C-T.
Other names: c.2009C>T (NM_005188.2); short protein forms A670V.
Identifiers: ClinVar variation 1921802 (VCV001921802.6), dbSNP rs2496956876, ClinGen allele CA382922745.
Genomic context (GRCh38, chr11:119,287,919, plus strand): 5'-ATAGCAGCCCATTAGTAGGTCCAGAGTGTGACCACCCCAAAATCAAACCTTCCTCATCTG[C>T]CAATGCCATTTATTCTCTGGCTGCCAGGTAAGTCTGCTAAAGCTATATTTTGTACAGTGG-3'
Protein context (NP_005179.2, residues 660-680): DHPKIKPSSS[Ala670Val]NAIYSLAARP

ClinVar aggregate classification (germline): Uncertain significance. Review status: criteria provided, multiple submitters, no conflicts (2 of 4 stars). 2 submissions from 2 submitters: Uncertain significance (2). Last evaluated 2024-11-23.

Conditions:
RASopathy. Also called: rasopathies; Noonan spectrum disorder. Identifiers: Orphanet 536391, MedGen C5555857, MONDO:0021060.
Cardiovascular phenotype. Identifiers: MedGen CN230736.

gnomAD v4.1: 1 of 1,613,002 alleles (0.000062%); no homozygotes.

Submissions (2):

Ambry Genetics
Classification: Uncertain significance for Cardiovascular phenotype. Last evaluated: 2024-11-23. Review status: criteria provided, single submitter. Criteria: Ambry Variant Classification Scheme 2023. Collection method: clinical testing. Allele origin: germline.
Comment: The p.A670V variant (also known as c.2009C>T), located in coding exon 12 of the CBL gene, results from a C to T substitution at nucleotide position 2009. The alanine at codon 670 is replaced by valine, an amino acid with similar properties. This amino acid position is conserved. In addition, the in silico prediction for this alteration is inconclusive. Based on the available evidence, the clinical significance of this variant remains unclear.

Labcorp Genetics (formerly Invitae), Labcorp
Classification: Uncertain significance for RASopathy. Last evaluated: 2022-09-23. Review status: criteria provided, single submitter. Criteria: Invitae Variant Classification Sherloc (09022015). Collection method: clinical testing. Allele origin: germline.
Comment: Advanced modeling of protein sequence and biophysical properties (such as structural, functional, and spatial information, amino acid conservation, physicochemical variation, residue mobility, and thermodynamic stability) performed at Invitae indicates that this missense variant is not expected to disrupt CBL protein function. This variant has not been reported in the literature in individuals affected with CBL-related conditions. In summary, the available evidence is currently insufficient to determine the role of this variant in disease. Therefore, it has been classified as a Variant of Uncertain Significance. This variant is not present in population databases (gnomAD no frequency). This sequence change replaces alanine, which is neutral and non-polar, with valine, which is neutral and non-polar, at codon 670 of the CBL protein (p.Ala670Val).